The following is an entry in ClinVar:

NM_001103.4(ACTN2):c.2570A>G (p.Asp857Gly)

Gene: ACTN2 (actinin alpha 2; plus strand). Cytogenetic location: 1q43.
Variant type: single nucleotide variant.
Coding change: c.2570A>G on transcript NM_001103.4 (MANE Select); coding-DNA position 2570, A replaced by G.
Protein change: p.Asp857Gly; replaces aspartic acid 857 with glycine.
Molecular consequence: missense variant. On other transcripts: non-coding transcript variant (1).
Genome position (GRCh38, 1-based): chr1:236,762,504, A>G. VCF-style: chr1-236762504-A-G. GRCh37 (hg19) VCF-style: chr1-236925804-A-G.
Other names: c.2570A>G, p.Asp857Gly (NM_001278343.2); c.1946A>G, p.Asp649Gly (NM_001278344.2); c.1820A>G, p.Asp607Gly (NM_001412150.1); short protein forms D649G, D857G, D607G.
Identifiers: ClinVar variation 2928569 (VCV002928569.2), dbSNP rs1359577957, ClinGen allele CA345392184.

ClinVar aggregate classification (germline): Uncertain significance (1 of 4 stars; one submission).

Conditions:
Primary familial hypertrophic cardiomyopathy (HCM). Identifiers: Orphanet 99739, MedGen C0949658, MeSH D024741, MONDO:0024573. Inheritance: Various modes of inheritance.
Dilated cardiomyopathy 1AA (CMD1AA). Also called: CARDIOMYOPATHY, DILATED, 1AA, WITH OR WITHOUT LEFT VENTRICULAR NONCOMPACTION; CARDIOMYOPATHY, FAMILIAL HYPERTROPHIC, 23, WITH OR WITHOUT LEFT VENTRICULAR NONCOMPACTION; Cardiomyopathy, dilated, 1AA, with or without LVNC. Identifiers: Orphanet 154, MedGen C2677338, MONDO:0012808, OMIM 612158.

Allele frequency attached by ClinVar (database versions not stated): gnomAD exomes below 0.00001; gnomAD 0.00001; TOPMed 0.00002.
gnomAD v4.1: 2 of 1,614,026 alleles (0.00012%); highest among the groups gnomAD compares: East Asian, 0.0045%; no homozygotes.

Submission:

Labcorp Genetics (formerly Invitae), Labcorp
Classification: Uncertain significance for Primary familial hypertrophic cardiomyopathy; Dilated cardiomyopathy 1AA. Last evaluated: 2023-03-27. Review status: criteria provided, single submitter. Criteria: Invitae Variant Classification Sherloc (09022015). Collection method: clinical testing. Allele origin: germline.
Comment: In summary, the available evidence is currently insufficient to determine the role of this variant in disease. Therefore, it has been classified as a Variant of Uncertain Significance. An algorithm developed to predict the effect of missense changes on protein structure and function (PolyPhen-2) suggests that this variant¬¨‚Ä† is likely to be tolerated. This variant has not been reported in the literature in individuals affected with ACTN2-related conditions. This variant is present in population databases (no rsID available, gnomAD 0.06%). This sequence change replaces aspartic acid, which is acidic and polar, with glycine, which is neutral and non-polar, at codon 857 of the ACTN2 protein (p.Asp857Gly).